The following is an entry in ClinVar:

NM_018026.4(PACS1):c.964T>A (p.Ser322Thr)

Gene: PACS1 (phosphofurin acidic cluster sorting protein 1; plus strand). Cytogenetic location: 11q13.2.
Variant type: single nucleotide variant.
Coding change: c.964T>A on transcript NM_018026.4 (MANE Select); coding-DNA position 964, T replaced by A.
Protein change: p.Ser322Thr; replaces serine 322 with threonine.
Molecular consequence: missense variant.
Genome position (GRCh38, 1-based): chr11:66,216,761, T>A. VCF-style: chr11-66216761-T-A. GRCh37 (hg19) VCF-style: chr11-65984232-T-A.
Other names: short protein forms S322T.
Identifiers: ClinVar variation 3372937 (VCV003372937.1).

ClinVar aggregate classification (germline): Uncertain significance (1 of 4 stars; one submission).

gnomAD v4.1: 1 of 1,613,606 alleles (0.000062%); highest among the groups gnomAD compares: Non-Finnish European, 0.000085%; no homozygotes.

Submission:

GeneDx
Classification: Uncertain significance. Last evaluated: 2024-04-27. Review status: criteria provided, single submitter. Criteria: GeneDx Variant Classification Process June 2021. Collection method: clinical testing. Allele origin: germline. Affected: yes.
Comment: Not observed at significant frequency in large population cohorts (gnomAD); In silico analysis indicates that this missense variant does not alter protein structure/function; Has not been previously published as pathogenic or benign to our knowledge